The following is an entry in ClinVar:

NC_000011.9:g.(?_5247493)_5248852del

Gene: HBB (hemoglobin subunit beta; minus strand).
Variant type: Deletion.
Identifiers: ClinVar variation 1074558 (VCV001074558.2).

ClinVar aggregate classification (germline): Pathogenic (1 of 4 stars; one submission).

Submission:

Labcorp Genetics (formerly Invitae), Labcorp
Classification: Pathogenic. Last evaluated: 2020-10-02. Review status: criteria provided, single submitter. Criteria: Invitae Variant Classification Sherloc (09022015). Collection method: clinical testing. Allele origin: germline.
Comment: This variant is a gross deletion of the genomic region encompassing exon(s) 1-2 of the HBB gene, which includes the initiator codon. The 5' end of this event is unknown as it extends beyond the assayed region for this gene and therefore may encompass additional genes. The 3' boundary is likely confined to intron 2 of the HBB gene. This is expected to result in an absent or disrupted protein product. Similar deletions have been observed in individual(s) with HBB-related conditions (PMID: 21797706, 2456798, 3799598, 6089938). Loss-of-function variants in HBB are known to be pathogenic (PMID: 23637309). For these reasons, this variant has been classified as Pathogenic.

Literature cited by the submitters: PubMed 21797706; PubMed 2456798; PubMed 3799598; PubMed 6089938; PubMed 23637309.